The following is an entry in ClinVar:

NM_000302.4(PLOD1):c.125G>A (p.Arg42His)

Gene: PLOD1 (procollagen-lysine,2-oxoglutarate 5-dioxygenase 1; plus strand). Cytogenetic location: 1p36.22.
Variant type: single nucleotide variant.
Coding change: c.125G>A on transcript NM_000302.4 (MANE Select); coding-DNA position 125, G replaced by A.
Protein change: p.Arg42His; replaces arginine 42 with histidine.
Molecular consequence: missense variant.
Genome position (GRCh38, 1-based): chr1:11,948,024, G>A. VCF-style: chr1-11948024-G-A. GRCh37 (hg19) VCF-style: chr1-12008081-G-A.
Other names: c.266G>A, p.Arg89His (NM_001316320.2); short protein forms R42H, R89H.
Identifiers: ClinVar variation 1429713 (VCV001429713.11), dbSNP rs202116614, ClinGen allele CA17997359.

ClinVar aggregate classification (germline): Uncertain significance. Review status: criteria provided, multiple submitters, no conflicts (2 of 4 stars). 3 submissions from 3 submitters: Uncertain significance (3). Last evaluated 2025-01-16.

Conditions:
Familial thoracic aortic aneurysm and aortic dissection (TAAD). Also called: Thoracic aortic aneurysms and dissections. Identifiers: Orphanet 91387, MedGen C4707243, MONDO:0019625.
Ehlers-Danlos syndrome, kyphoscoliotic type 1 (EDSKSCL1). Also called: Ehlers-Danlos syndrome, hydroxylysine-deficient; EHLERS-DANLOS SYNDROME, TYPE VIA; EHLERS-DANLOS SYNDROME, OCULAR-SCOLIOTIC TYPE; PLOD1-Related Kyphoscoliotic Ehlers-Danlos Syndrome. Identifiers: Orphanet 1900, MedGen C0268342, MONDO:0016002, OMIM 225400. Disease mechanism: loss of function.
Ehlers-Danlos syndrome (EDS). Identifiers: Orphanet 98249, MedGen C0013720, MONDO:0020066.

Allele frequency attached by ClinVar (database versions not stated): gnomAD exomes 0.00001; TOPMed 0.00001; ESP Exome Variant Server 0.00008.
gnomAD v4.1: 7 of 1,613,928 alleles (0.00043%); highest among the groups gnomAD compares: Non-Finnish European, 0.00059%; no homozygotes.

Submissions (3):

Ambry Genetics
Classification: Uncertain significance for Familial thoracic aortic aneurysm and aortic dissection. Last evaluated: 2025-01-16. Review status: criteria provided, single submitter. Criteria: Ambry Variant Classification Scheme 2023. Collection method: clinical testing. Allele origin: germline.
Comment: The p.R42H variant (also known as c.125G>A), located in coding exon 2 of the PLOD1 gene, results from a G to A substitution at nucleotide position 125. The arginine at codon 42 is replaced by histidine, an amino acid with highly similar properties. This amino acid position is conserved. In addition, this alteration is predicted to be tolerated by in silico analysis. Since supporting evidence is limited at this time, the clinical significance of this alteration remains unclear.

Genome Diagnostics Laboratory, The Hospital for Sick Children
Classification: Uncertain significance for Ehlers-Danlos syndrome. Last evaluated: 2022-01-17. Review status: criteria provided, single submitter. Criteria: ACMG Guidelines, 2015. Collection method: clinical testing. Allele origin: germline.

Labcorp Genetics (formerly Invitae), Labcorp
Classification: Uncertain significance for Ehlers-Danlos syndrome, kyphoscoliotic type 1. Last evaluated: 2021-09-17. Review status: criteria provided, single submitter. Criteria: Invitae Variant Classification Sherloc (09022015). Collection method: clinical testing. Allele origin: germline.
Comment: This sequence change replaces arginine with histidine at codon 42 of the PLOD1 protein (p.Arg42His). The arginine residue is moderately conserved and there is a small physicochemical difference between arginine and histidine. This variant is not present in population databases (ExAC no frequency). This variant has not been reported in the literature in individuals with PLOD1-related conditions. Algorithms developed to predict the effect of missense changes on protein structure and function are either unavailable or do not agree on the potential impact of this missense change (SIFT: "Deleterious"; PolyPhen-2: "Benign"; Align-GVGD: "Class C0"). In summary, the available evidence is currently insufficient to determine the role of this variant in disease. Therefore, it has been classified as a Variant of Uncertain Significance.